The following is an entry in ClinVar:

NM_001692.4(ATP6V1B1):c.1493A>G (p.Tyr498Cys)

Gene: ATP6V1B1 (ATPase H+ transporting V1 subunit B1; plus strand). Cytogenetic location: 2p13.3.
Variant type: single nucleotide variant.
Coding change: c.1493A>G on transcript NM_001692.4 (MANE Select); coding-DNA position 1493, A replaced by G.
Protein change: p.Tyr498Cys; replaces tyrosine 498 with cysteine.
Molecular consequence: missense variant.
Genome position (GRCh38, 1-based): chr2:70,965,072, A>G. VCF-style: chr2-70965072-A-G. GRCh37 (hg19) VCF-style: chr2-71192202-A-G.
Other names: short protein forms Y498C.
Identifiers: ClinVar variation 1708915 (VCV001708915.9), dbSNP rs201234802, ClinGen allele CA1701378.

ClinVar aggregate classification (germline): Uncertain significance. Review status: criteria provided, multiple submitters, no conflicts (2 of 4 stars). 4 submissions from 4 submitters: Uncertain significance (4). Last evaluated 2025-07-28.

Conditions:
Renal tubular acidosis with progressive nerve deafness. Also called: Distal Renal Tubular Acidosis with Progressive Sensorineural Deafness; renal tubular acidosis, distal, 2, with progressive sensorineural hearing loss; RENAL TUBULAR ACIDOSIS, AUTOSOMAL RECESSIVE, WITH PROGRESSIVE NERVE DEAFNESS; RTA WITH PROGRESSIVE NERVE DEAFNESS. Identifiers: MedGen C0403554, MONDO:0009968, OMIM 267300.

Allele frequency attached by ClinVar (database versions not stated): gnomAD 0.00015; TOPMed 0.00015; ExAC 0.00022; 1000 Genomes Project 30x 0.00031; ESP Exome Variant Server 0.00031; 1000 Genomes Project 0.00040.
gnomAD v4.1: 427 of 1,613,236 alleles (0.026%); highest among the groups gnomAD compares: Admixed American, 0.042%; no homozygotes.

Submissions (4):

GeneDx
Classification: Uncertain significance. Last evaluated: 2025-07-28. Review status: criteria provided, single submitter. Criteria: GeneDx Variant Classification Process June 2021. Collection method: clinical testing. Allele origin: germline. Affected: yes.
Comment: In silico analysis supports that this missense variant has a deleterious effect on protein structure/function; Has not been previously published as pathogenic or benign to our knowledge

Blueprint Genetics
Classification: Uncertain significance. Last evaluated: 2024-09-24. Review status: criteria provided, single submitter. Criteria: ACMG Guidelines, 2015. Collection method: clinical testing. Allele origin: germline.

Fulgent Genetics
Classification: Uncertain significance for Renal tubular acidosis with progressive nerve deafness. Last evaluated: 2024-05-14. Review status: criteria provided, single submitter. Criteria: ACMG Guidelines, 2015. Collection method: clinical testing. Allele origin: germline.

Labcorp Genetics (formerly Invitae), Labcorp
Classification: Uncertain significance. Last evaluated: 2021-10-17. Review status: criteria provided, single submitter. Criteria: Invitae Variant Classification Sherloc (09022015). Collection method: clinical testing. Allele origin: germline.
Comment: This sequence change replaces tyrosine with cysteine at codon 498 of the ATP6V1B1 protein (p.Tyr498Cys). The tyrosine residue is highly conserved and there is a large physicochemical difference between tyrosine and cysteine. This variant is present in population databases (rs201234802, ExAC 0.1%). This variant has not been reported in the literature in individuals with ATP6V1B1-related disease. Algorithms developed to predict the effect of missense changes on protein structure and function do not agree on the potential impact of this missense change (SIFT: "Deleterious"; PolyPhen-2: "Probably Damaging"; Align-GVGD: "Class C0"). In summary, the available evidence is currently insufficient to determine the role of this variant in disease. Therefore, it has been classified as a Variant of Uncertain Significance.